The following is an entry in ClinVar:

NM_001429.4(EP300):c.3030C>T (p.Thr1010=)

Genes: EP300 (EP300 lysine acetyltransferase; plus strand), LOC126863158 (BRD4-independent group 4 enhancer GRCh37_chr22:41547383-41548582; plus strand). Cytogenetic location: 22q13.2.
Variant type: single nucleotide variant.
Coding change: c.3030C>T on transcript NM_001429.4 (MANE Select); coding-DNA position 3030, C replaced by T.
Protein change: p.Thr1010=; no amino-acid change (threonine 1010 retained).
Molecular consequence: synonymous variant.
Genome position (GRCh38, 1-based): chr22:41,152,238, C>T. VCF-style: chr22-41152238-C-T. GRCh37 (hg19) VCF-style: chr22-41548242-C-T.
Other names: c.2952C>T, p.Thr984= (NM_001362843.2).
Identifiers: ClinVar variation 765448 (VCV000765448.12), dbSNP rs148414681, ClinGen allele CA10253031.

ClinVar aggregate classification (germline): Benign/Likely benign. Review status: criteria provided, multiple submitters, no conflicts (2 of 4 stars). 3 submissions from 3 submitters: Benign (1); Likely benign (1). 1 of the submissions does not count toward it. Last evaluated 2026-02-03.

Conditions:
Rubinstein-Taybi syndrome due to EP300 haploinsufficiency. Also called: EP300-Related Rubinstein-Taybi Syndrome; RUBINSTEIN-TAYBI SYNDROME 2. Identifiers: Orphanet 353284, Orphanet 783, MedGen C3150941, MONDO:0013364, OMIM 613684.
EP300-related disorder. Also called: EP300-related condition; EP300-related disorders.

Allele frequency attached by ClinVar (database versions not stated): TOPMed 0.00002.
gnomAD v4.1: 85 of 1,613,774 alleles (0.0053%); highest among the groups gnomAD compares: East Asian, 0.0045%; no homozygotes.

Submissions (3):

Labcorp Genetics (formerly Invitae), Labcorp
Classification: Benign for Rubinstein-Taybi syndrome due to EP300 haploinsufficiency. Last evaluated: 2026-02-03. Review status: criteria provided, single submitter. Criteria: Invitae Variant Classification Sherloc (09022015). Collection method: clinical testing. Allele origin: germline.

Blueprint Genetics
Classification: Likely benign. Last evaluated: 2023-08-01. Review status: criteria provided, single submitter. Criteria: ACMG Guidelines, 2015. Collection method: clinical testing. Allele origin: germline.

PreventionGenetics, part of Exact Sciences
Classification: Likely benign for EP300-related condition. Last evaluated: 2023-05-29. Review status: no assertion criteria provided. Collection method: clinical testing. Allele origin: germline. Not counted in ClinVar's aggregate classification.
Comment: This variant is classified as likely benign based on ACMG/AMP sequence variant interpretation guidelines (Richards et al. 2015 PMID: 25741868, with internal and published modifications).